The following is an entry in ClinVar:

ClinVar aggregate classification (germline): Likely pathogenic. Review status: criteria provided, multiple submitters, no conflicts (2 of 4 stars). 2 submissions from 2 submitters: Likely pathogenic (2). Last evaluated 2024-04-18.

Conditions:
Joubert syndrome. Also called: CEREBELLOPARENCHYMAL DISORDER IV; JOUBERT-BOLTSHAUSER SYNDROME; Familial aplasia of the vermis. Identifiers: Orphanet 475, MedGen C5979921, MONDO:0018772.
Nephronophthisis. Also called: Juvenile Nephronophthisis. Identifiers: Orphanet 655, MedGen C0687120, MONDO:0019005, HP:0000090.
Meckel-Gruber syndrome. Also called: DYSENCEPHALIA SPLANCHNOCYSTICA; GRUBER SYNDROME; Dysencephalia splachnocystica. Identifiers: Orphanet 564, MedGen C0265215, MONDO:0018921.
Joubert syndrome 5 (JBTS5). Identifiers: Orphanet 2318, MedGen C1857780, MONDO:0012432, OMIM 610188.
Senior-Loken syndrome 6 (SLSN6). Identifiers: Orphanet 3156, MedGen C1857779, MONDO:0012433, OMIM 610189.
Bardet-Biedl syndrome 14 (BBS14). Identifiers: Orphanet 110, MedGen C2673874, MONDO:0014442, OMIM 615991.
Leber congenital amaurosis 10 (LCA10). Identifiers: Orphanet 65, MedGen C1857821, MONDO:0012723, OMIM 611755.
Meckel syndrome, type 4 (MKS4). Also called: MECKEL-GRUBER SYNDROME, TYPE 4. Identifiers: Orphanet 564, MedGen C1970161, MONDO:0012626, OMIM 611134.

Submissions (2):

Fulgent Genetics
Classification: Likely pathogenic for Joubert syndrome 5; Senior-Loken syndrome 6; Meckel syndrome, type 4; Leber congenital amaurosis 10; Bardet-Biedl syndrome 14. Last evaluated: 2024-04-18. Review status: criteria provided, single submitter. Criteria: ACMG Guidelines, 2015. Collection method: clinical testing. Allele origin: germline.

Labcorp Genetics (formerly Invitae), Labcorp
Classification: Likely pathogenic for Joubert syndrome; Meckel-Gruber syndrome; Nephronophthisis. Last evaluated: 2023-12-10. Review status: criteria provided, single submitter. Criteria: Invitae Variant Classification Sherloc (09022015). Collection method: clinical testing. Allele origin: germline.
Comment: This sequence change affects an acceptor splice site in intron 14 of the CEP290 gene. It is expected to disrupt RNA splicing. Variants that disrupt the donor or acceptor splice site typically lead to a loss of protein function (PMID: 16199547), and loss-of-function variants in CEP290 are known to be pathogenic (PMID: 16909394, 17345604, 20690115). This variant is not present in population databases (gnomAD no frequency). This variant has not been reported in the literature in individuals affected with CEP290-related conditions. Algorithms developed to predict the effect of sequence changes on RNA splicing suggest that this variant may disrupt the consensus splice site. In summary, the currently available evidence indicates that the variant is pathogenic, but additional data are needed to prove that conclusively. Therefore, this variant has been classified as Likely Pathogenic.

Literature cited by the submitters: PubMed 16199547 (cited by Labcorp Genetics (formerly Invitae), Labcorp); PubMed 16909394 (cited by Labcorp Genetics (formerly Invitae), Labcorp); PubMed 17345604 (cited by Labcorp Genetics (formerly Invitae), Labcorp); PubMed 20690115 (cited by Labcorp Genetics (formerly Invitae), Labcorp).

NM_025114.4(CEP290):c.1360-1G>C

Gene: CEP290 (centrosomal protein 290; minus strand). Cytogenetic location: 12q21.32.
Variant type: single nucleotide variant.
Coding change: c.1360-1G>C on transcript NM_025114.4 (MANE Select); the canonical splice acceptor site of the intron before coding-DNA position 1360, G replaced by C.
Molecular consequence: splice acceptor variant.
Genome position (GRCh38, 1-based): chr12:88,120,277, C>G on the plus strand (G>C on the coding strand, the complement: CEP290 is on the minus strand). VCF-style: chr12-88120277-C-G. GRCh37 (hg19) VCF-style: chr12-88514054-C-G.
Identifiers: ClinVar variation 2921305 (VCV002921305.4), dbSNP rs2501054131, ClinGen allele CA385980285.